The following is an entry in ClinVar:

NM_006269.2(RP1):c.2773C>A (p.Pro925Thr)

Gene: RP1 (RP1 axonemal microtubule associated; plus strand). Cytogenetic location: 8q12.1.
Variant type: single nucleotide variant.
Coding change: c.2773C>A on transcript NM_006269.2 (MANE Select); coding-DNA position 2773, C replaced by A.
Protein change: p.Pro925Thr; replaces proline 925 with threonine.
Molecular consequence: missense variant. On other transcripts: intron variant (1).
Genome position (GRCh38, 1-based): chr8:54,626,655, C>A. VCF-style: chr8-54626655-C-A. GRCh37 (hg19) VCF-style: chr8-55539215-C-A.
Other names: c.2773C>A (NM_006269.1); c.787+4367C>A (NM_001375654.1); short protein forms P925T.
Identifiers: ClinVar variation 1035528 (VCV001035528.10), dbSNP rs1806061663, ClinGen allele CA370994596.
Genomic context (GRCh38, chr8:54,626,655, plus strand): 5'-GAGGCTATTGCTCATCATTCAATTCAAAATTATATACAGAGTTGGTTGCAGAACATAAAT[C>A]CATATCCAACTTTAAAGCCTATAAAATCAGCTCCAGTATGTAGAAATGAAACGAGTGTGG-3'
Protein context (NP_006260.1, residues 915-935): YIQSWLQNIN[Pro925Thr]YPTLKPIKSA

ClinVar aggregate classification (germline): Uncertain significance. Review status: criteria provided, multiple submitters, no conflicts (2 of 4 stars). 3 submissions from 3 submitters: Uncertain significance (3). Last evaluated 2025-08-13.

Conditions:
Inborn genetic diseases. Identifiers: MedGen C0950123, MeSH D030342.
Retinitis pigmentosa 1 (RP1). Identifiers: Orphanet 791, MedGen C0220701, MONDO:0008377, OMIM 180100.

Allele frequency attached by ClinVar (database versions not stated): gnomAD exomes below 0.00001; TOPMed below 0.00001.
gnomAD v4.1: 2 of 1,613,854 alleles (0.00012%); highest among the groups gnomAD compares: Non-Finnish European, 0.000085%; no homozygotes.

Submissions (3):

Ambry Genetics
Classification: Uncertain significance for Inborn genetic diseases. Last evaluated: 2025-08-13. Review status: criteria provided, single submitter. Criteria: Ambry Variant Classification Scheme 2023. Collection method: clinical testing. Allele origin: germline.

Labcorp Genetics (formerly Invitae), Labcorp
Classification: Uncertain significance. Last evaluated: 2023-07-17. Review status: criteria provided, single submitter. Criteria: Invitae Variant Classification Sherloc (09022015). Collection method: clinical testing. Allele origin: germline.
Comment: In summary, the available evidence is currently insufficient to determine the role of this variant in disease. Therefore, it has been classified as a Variant of Uncertain Significance. Algorithms developed to predict the effect of missense changes on protein structure and function output the following: SIFT: "Not Available"; PolyPhen-2: "Benign"; Align-GVGD: "Not Available". The threonine amino acid residue is found in multiple mammalian species, which suggests that this missense change does not adversely affect protein function. ClinVar contains an entry for this variant (Variation ID: 1035528). This variant has not been reported in the literature in individuals affected with RP1-related conditions. This variant is not present in population databases (gnomAD no frequency). This sequence change replaces proline, which is neutral and non-polar, with threonine, which is neutral and polar, at codon 925 of the RP1 protein (p.Pro925Thr).

Neuberg Centre For Genomic Medicine, NCGM
Classification: Uncertain significance for Retinitis pigmentosa 1. Last evaluated: 2023-06-22. Review status: criteria provided, single submitter. Criteria: ACMG Guidelines, 2015. Collection method: clinical testing. Allele origin: germline. Inheritance: Autosomal dominant inheritance. Affected: yes.
Comment: The observed missense c.2773C>A (p.Pro925Thr) variant in RP1 gene has not been reported previously as a pathogenic variant nor as a benign variant, to our knowledge. The p.Pro925Thr variant is absent in gnomAD Exomes. This variant has been submitted to the ClinVar database as Uncertain Significance. Multiple lines of computational evidence (Polyphen - Benign, SIFT - Tolerated and MutationTaster - Polymorphism) predict no damaging effect on protein structure and function for this variant. The reference amino acid of p.Pro925Thr in RP1 is predicted as conserved by GERP++. The amino acid Pro at position 925 is changed to a Thr changing protein sequence and it might alter its composition and physico-chemical properties. For these reasons, this variant has been classified as a Variant of Uncertain Significance (VUS).